The following is an entry in ClinVar:

NM_005560.6(LAMA5):c.7603G>T (p.Ala2535Ser)

Gene: LAMA5 (laminin subunit alpha 5; minus strand). Cytogenetic location: 20q13.33.
Variant type: single nucleotide variant.
Coding change: c.7603G>T on transcript NM_005560.6 (MANE Select); coding-DNA position 7603, G replaced by T.
Protein change: p.Ala2535Ser; replaces alanine 2535 with serine.
Molecular consequence: missense variant.
Genome position (GRCh38, 1-based): chr20:62,316,932, C>A on the plus strand (G>T on the coding strand, the complement: LAMA5 is on the minus strand). VCF-style: chr20-62316932-C-A. GRCh37 (hg19) VCF-style: chr20-60891988-C-A.
Other names: short protein forms A2535S.
Identifiers: ClinVar variation 2652480 (VCV002652480.24), dbSNP rs2516685000, ClinGen allele CA409552316.

ClinVar aggregate classification (germline): Uncertain significance (1 of 4 stars; one submission).

Allele frequency attached by ClinVar (database versions not stated): gnomAD exomes below 0.00001.
gnomAD v4.1: 2 of 1,558,562 alleles (0.00013%); highest among the groups gnomAD compares: Non-Finnish European, 0.000087%; no homozygotes.

Submission:

CeGaT Center for Human Genetics Tuebingen
Classification: Uncertain significance. Last evaluated: 2023-06-01. Review status: criteria provided, single submitter. Criteria: CeGaT Center For Human Genetics Tuebingen Variant Classification Criteria Version 2. Collection method: clinical testing. Allele origin: germline. Affected: yes. Observed: 1 variant allele.
Comment: LAMA5: PM2, BP4